The following is an entry in ClinVar:

NM_020778.5(ALPK3):c.3374G>A (p.Gly1125Glu)

Gene: ALPK3 (alpha kinase 3; plus strand). Cytogenetic location: 15q25.3.
Variant type: single nucleotide variant.
Coding change: c.3374G>A on transcript NM_020778.5 (MANE Select); coding-DNA position 3374, G replaced by A.
Protein change: p.Gly1125Glu; replaces glycine 1125 with glutamic acid.
Molecular consequence: missense variant.
Genome position (GRCh38, 1-based): chr15:84,858,112, G>A. VCF-style: chr15-84858112-G-A. GRCh37 (hg19) VCF-style: chr15-85401343-G-A.
Other names: c.3980G>A (NM_020778.4); short protein forms G1125E.
Identifiers: ClinVar variation 1352978 (VCV001352978.9), dbSNP rs748854704, ClinGen allele CA7709614.
Genomic context (GRCh38, chr15:84,858,112, plus strand): 5'-CCTCTCAGGAGAGCAGCATGGCTGGTCGACTGGGGGAGGCGGGTGGGCAGGCAGCCCCTG[G>A]ACAGGGGCCCTCAGCAGAGAGCATAGCCCAGGAGCCCTCCCAAGAGGAGAAGTTCCCAGG-3'
Protein context (NP_065829.4, residues 1115-1135): LGEAGGQAAP[Gly1125Glu]QGPSAESIAQ

ClinVar aggregate classification (germline): Uncertain significance. Review status: criteria provided, multiple submitters, no conflicts (2 of 4 stars). 2 submissions from 2 submitters: Uncertain significance (2). Last evaluated 2023-03-15.

Conditions:
Cardiovascular phenotype. Identifiers: MedGen CN230736.

Allele frequency attached by ClinVar (database versions not stated): gnomAD exomes below 0.00001 and 0.00001; ExAC 0.00001.
gnomAD v4.1: 1 of 1,578,928 alleles (0.000063%); highest among the groups gnomAD compares: Non-Finnish European, 0.000086%; no homozygotes.

Submissions (2):

Labcorp Genetics (formerly Invitae), Labcorp
Classification: Uncertain significance. Last evaluated: 2023-03-15. Review status: criteria provided, single submitter. Criteria: Invitae Variant Classification Sherloc (09022015). Collection method: clinical testing. Allele origin: germline.
Comment: In summary, the available evidence is currently insufficient to determine the role of this variant in disease. Therefore, it has been classified as a Variant of Uncertain Significance. Advanced modeling of protein sequence and biophysical properties (such as structural, functional, and spatial information, amino acid conservation, physicochemical variation, residue mobility, and thermodynamic stability) performed at Invitae indicates that this missense variant is not expected to disrupt ALPK3 protein function. ClinVar contains an entry for this variant (Variation ID: 1352978). This variant has not been reported in the literature in individuals affected with ALPK3-related conditions. This variant is present in population databases (rs748854704, gnomAD 0.002%). This sequence change replaces glycine, which is neutral and non-polar, with glutamic acid, which is acidic and polar, at codon 1327 of the ALPK3 protein (p.Gly1327Glu).

Ambry Genetics
Classification: Uncertain significance for Cardiovascular phenotype. Last evaluated: 2023-01-11. Review status: criteria provided, single submitter. Criteria: Ambry Variant Classification Scheme 2023. Collection method: clinical testing. Allele origin: germline.
Comment: The p.G1327E variant (also known as c.3980G>A), located in coding exon 6 of the ALPK3 gene, results from a G to A substitution at nucleotide position 3980. The glycine at codon 1327 is replaced by glutamic acid, an amino acid with similar properties. This amino acid position is conserved. In addition, this alteration is predicted to be tolerated by in silico analysis. Since supporting evidence is limited at this time, the clinical significance of this alteration remains unclear.